The following is an entry in ClinVar:

NM_001332.4(CTNND2):c.535G>A (p.Ala179Thr)

Gene: CTNND2 (catenin delta 2; minus strand). Cytogenetic location: 5p15.2.
Variant type: single nucleotide variant.
Coding change: c.535G>A on transcript NM_001332.4 (MANE Select); coding-DNA position 535, G replaced by A.
Protein change: p.Ala179Thr; replaces alanine 179 with threonine.
Molecular consequence: missense variant. On other transcripts: 5 prime UTR variant (1), intron variant (2).
Genome position (GRCh38, 1-based): chr5:11,397,108, C>T on the plus strand (G>A on the coding strand, the complement: CTNND2 is on the minus strand). VCF-style: chr5-11397108-C-T. GRCh37 (hg19) VCF-style: chr5-11397220-C-T.
Other names: c.262G>A, p.Ala88Thr (NM_001288715.1); c.-200G>A (NM_001288717.2); c.166+14428G>A (NM_001364128.2, NM_001288716.1); short protein forms A179T, A88T.
Identifiers: ClinVar variation 2636266 (VCV002636266.2), dbSNP rs1473741771, ClinGen allele CA359279652.
Genomic context (GRCh38, chr5:11,397,108, plus strand): 5'-CCGTAGCTCGGGCTTGTGTGCCTCGGGCCGGGAGCTGTGAAGGGGTGGTTTCCCCCAGGG[C>T]CAGGGTCTGGTTGCTATGGTAGCTGGCCGGATACTGGAAAGACCCTTCAGGTTTGGAATT-3'
Protein context (NP_001323.1, residues 169-189): PASYHSNQTL[Ala179Thr]LGETTPSQLP

ClinVar aggregate classification (germline): Uncertain significance (1 of 4 stars; one submission).

Conditions:
CTNND2-related disorder. Also called: CTNND2-related condition.

gnomAD v4.1: 1 of 1,614,148 alleles (0.000062%); highest among the groups gnomAD compares: South Asian, 0.0011%; no homozygotes.

Submission:

PreventionGenetics, part of Exact Sciences
Classification: Uncertain significance for CTNND2-related condition. Last evaluated: 2025-02-21. Review status: criteria provided, single submitter. Criteria: ACMG Guidelines, 2015. Collection method: clinical testing. Allele origin: germline.
Comment: The CTNND2 c.535G>A variant is predicted to result in the amino acid substitution p.Ala179Thr. To our knowledge, this variant has not been reported in the literature or in a large population database, indicating this variant is rare. At this time, the clinical significance of this variant is uncertain due to the absence of conclusive functional and genetic evidence.